The following is an entry in ClinVar:

ClinVar aggregate classification (germline): Uncertain significance (1 of 4 stars; one submission).

gnomAD v4.1: 1 of 1,613,772 alleles (0.000062%); highest among the groups gnomAD compares: Non-Finnish European, 0.000085%; no homozygotes.

Submission:

Labcorp Genetics (formerly Invitae), Labcorp
Classification: Uncertain significance. Last evaluated: 2022-12-16. Review status: criteria provided, single submitter. Criteria: Invitae Variant Classification Sherloc (09022015). Collection method: clinical testing. Allele origin: germline.
Comment: This variant is not present in population databases (gnomAD no frequency). In summary, the available evidence is currently insufficient to determine the role of this variant in disease. Therefore, it has been classified as a Variant of Uncertain Significance. Algorithms developed to predict the effect of missense changes on protein structure and function are either unavailable or do not agree on the potential impact of this missense change (SIFT: "Deleterious"; PolyPhen-2: "Benign"; Align-GVGD: "Class C0"). This variant has not been reported in the literature in individuals affected with HMCN1-related conditions. This sequence change replaces proline, which is neutral and non-polar, with glutamine, which is neutral and polar, at codon 446 of the HMCN1 protein (p.Pro446Gln).

NM_031935.3(HMCN1):c.1337C>A (p.Pro446Gln)

Gene: HMCN1 (hemicentin 1; plus strand). Cytogenetic location: 1q31.1.
Variant type: single nucleotide variant.
Coding change: c.1337C>A on transcript NM_031935.3 (MANE Select); coding-DNA position 1337, C replaced by A.
Protein change: p.Pro446Gln; replaces proline 446 with glutamine.
Molecular consequence: missense variant.
Genome position (GRCh38, 1-based): chr1:185,925,098, C>A. VCF-style: chr1-185925098-C-A. GRCh37 (hg19) VCF-style: chr1-185894230-C-A.
Other names: short protein forms P446Q.
Identifiers: ClinVar variation 2821397 (VCV002821397.3), dbSNP rs373879370, ClinGen allele CA343895065.
Genomic context (GRCh38, chr1:185,925,098, plus strand): 5'-TTTTCCTAGATGCTCCCAAAGTTACGATGCCTGAGAAAACCCCAGGATACTATCTGCAGC[C>A]GGGCCAAATTCCCTGCTCTGTTGACAGTCTTTTGCCCTTTACCTTGAGCTTTGTCAGAAA-3'
Protein context (NP_114141.2, residues 436-456): PEKTPGYYLQ[Pro446Gln]GQIPCSVDSL